The following is an entry in ClinVar:

NM_001386795.1(DTNA):c.1875G>A (p.Gly625=)

Gene: DTNA (dystrobrevin alpha; plus strand). Cytogenetic location: 18q12.1.
Variant type: single nucleotide variant.
Coding change: c.1875G>A on transcript NM_001386795.1 (MANE Select); coding-DNA position 1875, G replaced by A.
Protein change: p.Gly625=; no amino-acid change (glycine 625 retained).
Molecular consequence: synonymous variant.
Genome position (GRCh38, 1-based): chr18:34,875,370, G>A. VCF-style: chr18-34875370-G-A. GRCh37 (hg19) VCF-style: chr18-32455334-G-A.
Other names: c.1614G>A, p.Gly538= (NM_001198938.2, NM_001198940.2, NM_001386753.1 and 5 more transcripts); c.1635G>A, p.Gly545= (NM_001198939.2); c.921G>A, p.Gly307= (NM_001198942.1); c.864G>A, p.Gly288= (NM_001198943.1); c.750G>A, p.Gly250= (NM_001198944.1); c.1704G>A, p.Gly568= (NM_001386754.1, NM_001386755.1, NM_001386756.1 and 3 more transcripts); c.1701G>A, p.Gly567= (NM_001386760.1); c.1623G>A, p.Gly541= (NM_001386761.1, NM_032975.4); and 5 more.
Identifiers: ClinVar variation 226618 (VCV000226618.16), dbSNP rs542483546, ClinGen allele CA8935867.

ClinVar aggregate classification (germline): Benign/Likely benign. Review status: criteria provided, multiple submitters, no conflicts (2 of 4 stars). 6 submissions from 6 submitters: Benign (3); Likely benign (2). 1 of the submissions does not count toward it. Last evaluated 2025-12-29.

Conditions:
DTNA-related disorder. Also called: DTNA-related condition.
Left ventricular noncompaction 1 (LVNC1). Also called: LEFT VENTRICULAR NONCOMPACTION 1 WITH OR WITHOUT CONGENITAL HEART DEFECTS. Identifiers: Orphanet 54260, MedGen C1858725, MONDO:0011403, OMIM 604169.

Allele frequency attached by ClinVar (database versions not stated): gnomAD 0.00004 and 0.00013; TOPMed 0.00006; 1000 Genomes Project 30x 0.00016; 1000 Genomes Project 0.00020; gnomAD exomes 0.00029 and 0.00045; ExAC 0.00046.
gnomAD v4.1: 433 of 1,614,152 alleles (0.027%); highest among the groups gnomAD compares: South Asian, 0.34%; 5 homozygotes.

Submissions (6):

Labcorp Genetics (formerly Invitae), Labcorp
Classification: Benign for Left ventricular noncompaction 1. Last evaluated: 2025-12-29. Review status: criteria provided, single submitter. Criteria: Invitae Variant Classification Sherloc (09022015). Collection method: clinical testing. Allele origin: germline.

Blueprint Genetics
Classification: Likely benign. Last evaluated: 2024-08-22. Review status: criteria provided, single submitter. Criteria: ACMG Guidelines, 2015. Collection method: clinical testing. Allele origin: germline.

Women's Health and Genetics/Laboratory Corporation of America, LabCorp
Classification: Benign. Last evaluated: 2023-08-19. Review status: criteria provided, single submitter. Criteria: LabCorp Variant Classification Summary - May 2015. Collection method: clinical testing. Allele origin: germline.

GeneDx
Classification: Likely benign. Last evaluated: 2018-11-13. Review status: criteria provided, single submitter. Criteria: GeneDx Variant Classification Process June 2021. Collection method: clinical testing. Allele origin: germline. Affected: yes.

Laboratory for Molecular Medicine, Mass General Brigham Personalized Medicine
Classification: Benign. Last evaluated: 2015-04-16. Review status: criteria provided, single submitter. Criteria: LMM Criteria. Collection method: clinical testing. Allele origin: germline. Observed: 1 variant allele.
Comment: p.Gly541Gly in exon 17 of DTNA: This variant is not expected to have clinical si gnificance because it has been identified in 0.3% (49/16476) of South Asian chro mosomes by the Exome Aggregation Consortium (ExAC, g; dbSNP rs542483546).

PreventionGenetics, part of Exact Sciences
Classification: Likely benign for DTNA-related condition. Last evaluated: 2019-05-16. Review status: no assertion criteria provided. Collection method: clinical testing. Allele origin: germline. Not counted in ClinVar's aggregate classification.
Comment: This variant is classified as likely benign based on ACMG/AMP sequence variant interpretation guidelines (Richards et al. 2015 PMID: 25741868, with internal and published modifications).